The following is an entry in ClinVar:

NM_022773.4(LMF1):c.92C>T (p.Pro31Leu)

Genes: LMF1 (lipase maturation factor 1; minus strand), LOC130058141 (ATAC-STARR-seq lymphoblastoid silent region 6962; plus strand). Cytogenetic location: 16p13.3.
Variant type: single nucleotide variant.
Coding change: c.92C>T on transcript NM_022773.4 (MANE Select); coding-DNA position 92, C replaced by T.
Protein change: p.Pro31Leu; replaces proline 31 with leucine.
Molecular consequence: missense variant. On other transcripts: 5 prime UTR variant (1), non-coding transcript variant (1), intron variant (3).
Genome position (GRCh38, 1-based): chr16:970,889, G>A on the plus strand (C>T on the coding strand, the complement: LMF1 is on the minus strand). VCF-style: chr16-970889-G-A. GRCh37 (hg19) VCF-style: chr16-1020889-G-A.
Other names: c.92C>T, p.Pro31Leu (NM_001352020.1); c.-614C>T (NM_001352021.2); c.-135+10256C>T (NM_001352019.2); c.-611+10256C>T (NM_001352017.2); c.-362+10256C>T (NM_001352018.2); short protein forms P31L.
Identifiers: ClinVar variation 1766490 (VCV001766490.2), dbSNP rs368337185, ClinGen allele CA7797787.
Genomic context (GRCh38, chr16:970,889, plus strand): 5'-AGCCAGAAGGTGCCCGTGTGGAGATGGGCCGGAGAGCCTGCGGGGCCACGCCCCGGCGCG[G>A]GCGGCGACTCAGGCTCCGGATCCGAGTACCCAGTCTTCCGCCTCCTCAGCGACTCCGCGG-3'
Protein context (NP_073610.2, residues 21-41): GYSDPEPESP[Pro31Leu]APGRGPAGSP

ClinVar aggregate classification (germline): Uncertain significance (1 of 4 stars; one submission).

Conditions:
Cardiovascular phenotype. Identifiers: MedGen CN230736.

Allele frequency attached by ClinVar (database versions not stated): ExAC 0.00006; gnomAD 0.00015; TOPMed 0.00017; gnomAD exomes 0.00001; ESP Exome Variant Server 0.00033.
gnomAD v4.1: 38 of 1,575,228 alleles (0.0024%); highest among the groups gnomAD compares: African/African-American, 0.048%; no homozygotes.

Submission:

Ambry Genetics
Classification: Uncertain significance for Cardiovascular phenotype. Last evaluated: 2022-10-07. Review status: criteria provided, single submitter. Criteria: Ambry Variant Classification Scheme 2023. Collection method: clinical testing. Allele origin: germline.
Comment: The p.P31L variant (also known as c.92C>T), located in coding exon 1 of the LMF1 gene, results from a C to T substitution at nucleotide position 92. The proline at codon 31 is replaced by leucine, an amino acid with similar properties. This amino acid position is conserved. In addition, this alteration is predicted to be tolerated by in silico analysis. Since supporting evidence is limited at this time, the clinical significance of this alteration remains unclear.